The following is an entry in ClinVar:

NM_006031.6(PCNT):c.8997-9T>C

Gene: PCNT (pericentrin; plus strand). Cytogenetic location: 21q22.3.
Variant type: single nucleotide variant.
Coding change: c.8997-9T>C on transcript NM_006031.6 (MANE Select); 9 bases into the intron before coding-DNA position 8997, T replaced by C.
Molecular consequence: intron variant.
Genome position (GRCh38, 1-based): chr21:46,436,970, T>C. VCF-style: chr21-46436970-T-C. GRCh37 (hg19) VCF-style: chr21-47856883-T-C.
Other names: c.8406-9T>C (NM_001315529.2); c.8997-9T>C (NM_006031.5).
Identifiers: ClinVar variation 1636837 (VCV001636837.10), dbSNP rs529504851, ClinGen allele CA10081172.
Genomic context (GRCh38, chr21:46,436,970, plus strand): 5'-CTTGTTTAGTTTTGCATAATGGTCACTTGGGGCGCGTATGCAACTTTGAGTGCCCATTTA[T>C]TTTTACAGGACAGTTAATGATTGGACGTCATCCAATGAGAAAGCAGTGATGTCTTTACTG-3'

ClinVar aggregate classification (germline): Likely benign. Review status: criteria provided, single submitter (1 of 4 stars). 2 submissions from 2 submitters: Likely benign (1). 1 of the submissions does not count toward it. Last evaluated 2025-05-18.

Conditions:
PCNT-related disorder. Also called: PCNT-related condition.

Allele frequency attached by ClinVar (database versions not stated): gnomAD 0.00001 and 0.00002; TOPMed 0.00001; ExAC 0.00004; gnomAD exomes 0.00004; 1000 Genomes Project 30x 0.00016; 1000 Genomes Project 0.00020.
gnomAD v4.1: 20 of 1,607,768 alleles (0.0012%); highest among the groups gnomAD compares: Admixed American, 0.01%; no homozygotes.

Submissions (2):

Labcorp Genetics (formerly Invitae), Labcorp
Classification: Likely benign. Last evaluated: 2025-05-18. Review status: criteria provided, single submitter. Criteria: Invitae Variant Classification Sherloc (09022015). Collection method: clinical testing. Allele origin: germline.

PreventionGenetics, part of Exact Sciences
Classification: Likely benign for PCNT-related condition. Last evaluated: 2023-01-09. Review status: no assertion criteria provided. Collection method: clinical testing. Allele origin: germline. Not counted in ClinVar's aggregate classification.
Comment: This variant is classified as likely benign based on ACMG/AMP sequence variant interpretation guidelines (Richards et al. 2015 PMID: 25741868, with internal and published modifications).